The following is an entry in ClinVar:

ClinVar aggregate classification (germline): Pathogenic. Review status: criteria provided, multiple submitters, no conflicts (2 of 4 stars). 4 submissions from 4 submitters: Pathogenic (3). 1 of the submissions does not count toward it. Last evaluated 2024-07-17.

Conditions:
Deficiency of UDPglucose-hexose-1-phosphate uridylyltransferase. Also called: GALACTOSE-1-PHOSPHATE URIDYLYLTRANSFERASE DEFICIENCY; GALT deficiency; Galactosemia, classic; Transferase Deficiency Galactosemia; GALACTOSEMIA I. Identifiers: Orphanet 352, Orphanet 79239, MedGen C0268151, MONDO:0009258, OMIM 230400.
Galactosemia. Also called: Galactose intolerance. Identifiers: Orphanet 352, MedGen C0016952, MONDO:0018116, HP:0004919. Disease mechanism: loss of function.

Allele frequency attached by ClinVar (database versions not stated): gnomAD exomes below 0.00001.
gnomAD v4.1: 1 of 1,614,204 alleles (0.000062%); highest among the groups gnomAD compares: African/African-American, 0.0013%; no homozygotes.

Submissions (4):

Natera, Inc.
Classification: Pathogenic for Galactosemia. Last evaluated: 2024-07-17. Review status: criteria provided, single submitter. Criteria: Natera Variant Classification Schema (03/2026). Collection method: clinical testing. Allele origin: germline.
Comment: The c.616C>T variant in GALT is a nonsense variant predicted to introduce a stop codon at amino acid 206. This variant is expected to result in nonsense mediated decay, truncation, or a dysfunctional protein product. This variant is rare in the general population with a frequency below the threshold expected for the associated phenotype(s). This variant has been observed in one or more individuals affected with the associated recessive disease, as either homozygous or compound heterozygous with a second variant (PMID: 22944367). Given the available evidence, this variant is classified as Pathogenic.

Baylor Genetics
Classification: Pathogenic for Deficiency of UDPglucose-hexose-1-phosphate uridylyltransferase. Last evaluated: 2023-09-06. Review status: criteria provided, single submitter. Criteria: ACMG Guidelines, 2015. Collection method: clinical testing. Allele origin: unknown.

Women's Health and Genetics/Laboratory Corporation of America, LabCorp
Classification: Pathogenic for Deficiency of UDPglucose-hexose-1-phosphate uridylyltransferase. Last evaluated: 2022-01-26. Review status: criteria provided, single submitter. Criteria: LabCorp Variant Classification Summary - May 2015. Collection method: clinical testing. Allele origin: germline.
Comment: Variant summary: GALT c.616C>T (p.Gln206X) results in a premature termination codon, predicted to cause a truncation of the encoded protein or absence of the protein due to nonsense mediated decay, which are commonly known mechanisms for disease. Truncations downstream of this position have been classified as pathogenic by our laboratory. The variant was absent in 251484 control chromosomes (gnomAD). c.616C>T has been reported in the literature in individuals affected with Galactosemia, including one homozygote and one compound heterozygote with a second pathogenic allele (GALT c.584T>C [p.Leu195Pro] ClinVar:25222). These data indicate that the variant is associated with disease. To our knowledge, no experimental evidence demonstrating an impact on protein function has been reported. One ClinVar submitter has assessed the variant since 2014: the variant was classified as pathogenic. Based on the evidence outlined above, the variant was classified as pathogenic.

Counsyl
Classification: Pathogenic for Deficiency of UDPglucose-hexose-1-phosphate uridylyltransferase. Last evaluated: 2018-03-12. Review status: no assertion criteria provided. Collection method: clinical testing. Allele origin: unknown. Not counted in ClinVar's aggregate classification.

Literature cited by the submitters: PubMed 22944367 (cited by 3 submitters).

NM_000155.4(GALT):c.616C>T (p.Gln206Ter)

Gene: GALT (galactose-1-phosphate uridylyltransferase; plus strand). Cytogenetic location: 9p13.3.
Variant type: single nucleotide variant.
Coding change: c.616C>T on transcript NM_000155.4 (MANE Select); coding-DNA position 616, C replaced by T.
Protein change: p.Gln206Ter; replaces glutamine 206 with a stop codon.
Molecular consequence: nonsense.
Genome position (GRCh38, 1-based): chr9:34,648,385, C>T. VCF-style: chr9-34648385-C-T. GRCh37 (hg19) VCF-style: chr9-34648382-C-T.
Other names: c.289C>T, p.Gln97Ter (NM_001258332.2); short protein forms Q206*, Q97*.
Identifiers: ClinVar variation 557190 (VCV000557190.5), dbSNP rs1554709366, ClinGen allele CA373282042.
Genomic context (GRCh38, chr9:34,648,385, plus strand): 5'-CCTTGACAGGTATGGGCCAGCAGTTTCCTGCCAGATATTGCCCAGCGTGAGGAGCGATCT[C>T]AGCAGGCCTATAAGAGTCAGCATGGAGAGCCCCTGCTAATGGAGTACAGCCGCCAGGAGC-3'